The following is an entry in ClinVar:

NM_007294.4(BRCA1):c.342del (p.Pro115fs)

Gene: BRCA1 (BRCA1 DNA repair associated; minus strand). Cytogenetic location: 17q21.31.
Variant type: Deletion.
Coding change: c.342del on transcript NM_007294.4 (MANE Select); coding-DNA position 342, one base deleted (T; older notation c.342delT).
Protein change: p.Pro115fs; shifts the reading frame from proline 115.
Molecular consequence: frameshift variant. On other transcripts: non-coding transcript variant (1).
Genome position (GRCh38, 1-based): chr17:43,104,221, A deleted on the plus strand (T on the coding strand, the reverse complement: BRCA1 is on the minus strand). VCF-style (leftmost placement, unchanged base first): chr17-43104220-GA-G. GRCh37 (hg19) VCF-style: chr17-41256237-GA-G.
Other names: 461delT; c.342delT, p.Pro115Leufs (NM_001407649.1, NM_001407652.1, NM_001407664.1 and 163 more transcripts); c.264delT, p.Pro89Leufs (NM_001407653.1, NM_001407654.1, NM_001407655.1 and 21 more transcripts); c.201delT, p.Pro68Leufs (NM_001407692.1, NM_001407694.1, NM_001407695.1 and 98 more transcripts); c.132delT, p.Pro45Leufs (NM_001407853.1, NM_001407879.1, NM_001407881.1 and 58 more transcripts); c.-40delT (NM_001407959.1, NM_001407960.1, NM_001407962.1 and 4 more transcripts); c.333delT, p.Pro112Leufs (NM_001408408.1, NM_001407646.1, NM_001407647.1); c.210delT, p.Pro71Leufs (NM_001408451.1); and 2 more; short protein forms P68fs, P115fs.
Identifiers: ClinVar variation 266370 (VCV000266370.15), dbSNP rs886040129, ClinGen allele CA10590020.
Genomic context (GRCh38, chr17:43,104,220, plus strand): 5'-TGGCACGGTTTCTGTAGCCCATACTTTGGATGATAGAAACTTCATCTTTTAGATGTTCAG[GA>G]GAGTTATTTTCCTTTTTTGCAAAATTATAGCTGTTTGCATCTGTAAAATACAAGGGAAAA-3'

ClinVar aggregate classification (germline): Pathogenic. Review status: reviewed by expert panel (3 of 4 stars). 5 submissions from 5 submitters: Pathogenic (1). 4 of the submissions do not count toward it. Last evaluated 2016-10-18.

Conditions:
Hereditary cancer-predisposing syndrome. Also called: Hereditary Cancer Syndrome; Neoplastic Syndromes, Hereditary; Hereditary neoplastic syndrome; Tumor predisposition. Identifiers: Orphanet 140162, MedGen C0027672, MeSH D009386, MONDO:0015356.
Ovarian neoplasm. Also called: Neoplasm of ovary; Ovarian tumor; Ovarian Neoplasms. Identifiers: MedGen C0919267, MeSH D010051, MONDO:0021068, HP:0100615.
Hereditary breast ovarian cancer syndrome. Also called: Hereditary breast and ovarian cancer syndrome (HBOC); Breast and ovarian cancer; Hereditary breast and ovarian cancer syndrome; Hereditary breast and ovarian cancer; BRCA1- and BRCA2-Associated Hereditary Breast and Ovarian Cancer; Hereditary breast and/or ovarian cancer syndrome. Identifiers: Orphanet 145, MedGen C0677776, MeSH D061325, MONDO:0003582. Disease mechanism: loss of function.
Breast-ovarian cancer, familial, susceptibility to, 1 (BROVCA1). Also called: BRCA1 Hereditary Breast and Ovarian Cancer; OVARIAN CANCER, SUSCEPTIBILITY TO. Identifiers: Orphanet 145, MedGen C2676676, MONDO:0011450, OMIM 604370. Disease mechanism: loss of function.

Submissions (5):

Evidence-based Network for the Interpretation of Germline Mutant Alleles (ENIGMA)
Classification: Pathogenic for Breast-ovarian cancer, familial, susceptibility to, 1. Last evaluated: 2016-10-18. Review status: reviewed by expert panel. Criteria: ENIGMA BRCA1/2 Classification Criteria (2015). Collection method: curation. Allele origin: germline.
Comment: Variant allele predicted to encode a truncated non-functional protein.

Labcorp Genetics (formerly Invitae), Labcorp
Classification: Pathogenic for Hereditary breast ovarian cancer syndrome. Last evaluated: 2023-06-02. Review status: criteria provided, single submitter. Criteria: Invitae Variant Classification Sherloc (09022015). Collection method: clinical testing. Allele origin: germline. Not counted in ClinVar's aggregate classification.
Comment: This sequence change creates a premature translational stop signal (p.Pro115Leufs*4) in the BRCA1 gene. It is expected to result in an absent or disrupted protein product. Loss-of-function variants in BRCA1 are known to be pathogenic (PMID: 20104584). This variant is not present in population databases (gnomAD no frequency). This premature translational stop signal has been observed in individual(s) with BRCA1-related conditions (PMID: 29446198). ClinVar contains an entry for this variant (Variation ID: 266370). For these reasons, this variant has been classified as Pathogenic.

Color Diagnostics, LLC DBA Color Health
Classification: Pathogenic for Hereditary cancer-predisposing syndrome. Last evaluated: 2020-01-15. Review status: criteria provided, single submitter. Criteria: ACMG Guidelines, 2015. Collection method: clinical testing. Allele origin: germline. Not counted in ClinVar's aggregate classification.
Comment: This variant deletes 1 nucleotide in exon 6 of the BRCA1 gene, creating a frameshift and premature translation stop signal. This variant is expected to result in an absent or non-functional protein product. This variant has not been identified in the general population by the Genome Aggregation Database (gnomAD). Loss of BRCA1 function is a known mechanism of disease. Based on the available evidence, this variant is classified as Pathogenic.

Consortium of Investigators of Modifiers of BRCA1/2 (CIMBA), c/o University of Cambridge
Classification: Pathogenic for Breast-ovarian cancer, familial, susceptibility to, 1. Last evaluated: 2015-10-02. Review status: criteria provided, single submitter. Criteria: CIMBA Mutation Classification guidelines May 2016. Collection method: clinical testing. Allele origin: germline. Not counted in ClinVar's aggregate classification.

German Consortium for Hereditary Breast and Ovarian Cancer, University Hospital Cologne
Classification: Pathogenic for Ovarian neoplasm. Last evaluated: 2018-12-01. Review status: no assertion criteria provided. Collection method: research. Allele origin: somatic. Affected: yes. Not counted in ClinVar's aggregate classification.

Literature cited by the submitters: PubMed 20104584 (cited by Labcorp Genetics (formerly Invitae), Labcorp); PubMed 29446198 (cited by Labcorp Genetics (formerly Invitae), Labcorp).